The following is an entry in ClinVar:

ClinVar aggregate classification (germline): Uncertain significance (1 of 4 stars; one submission).

Conditions:
Macrocephaly-developmental delay syndrome (MRT41). Also called: INTELLECTUAL DEVELOPMENTAL DISORDER, AUTOSOMAL RECESSIVE 41. Identifiers: Orphanet 397612, MedGen C3810225, MONDO:0014289, OMIM 615637.

Submission:

Labcorp Genetics (formerly Invitae), Labcorp
Classification: Uncertain significance for Macrocephaly-developmental delay syndrome. Last evaluated: 2022-08-16. Review status: criteria provided, single submitter. Criteria: Invitae Variant Classification Sherloc (09022015). Collection method: clinical testing. Allele origin: germline.
Comment: In summary, the available evidence is currently insufficient to determine the role of this variant in disease. Therefore, it has been classified as a Variant of Uncertain Significance. Algorithms developed to predict the effect of missense changes on protein structure and function (SIFT, PolyPhen-2, Align-GVGD) all suggest that this variant is likely to be disruptive. This variant has not been reported in the literature in individuals affected with KPTN-related conditions. This variant is not present in population databases (gnomAD no frequency). This sequence change replaces valine, which is neutral and non-polar, with leucine, which is neutral and non-polar, at codon 286 of the KPTN protein (p.Val286Leu).

NM_007059.4(KPTN):c.856G>T (p.Val286Leu)

Gene: KPTN (kaptin, actin binding protein; minus strand). Cytogenetic location: 19q13.32.
Variant type: single nucleotide variant.
Coding change: c.856G>T on transcript NM_007059.4 (MANE Select); coding-DNA position 856, G replaced by T.
Protein change: p.Val286Leu; replaces valine 286 with leucine.
Molecular consequence: missense variant. On other transcripts: non-coding transcript variant (1).
Genome position (GRCh38, 1-based): chr19:47,477,713, C>A on the plus strand (G>T on the coding strand, the complement: KPTN is on the minus strand). VCF-style: chr19-47477713-C-A. GRCh37 (hg19) VCF-style: chr19-47980970-C-A.
Other names: c.688G>T, p.Val230Leu (NM_001291296.2); short protein forms V286L, V230L.
Identifiers: ClinVar variation 2087756 (VCV002087756.4), dbSNP rs1041948224, ClinGen allele CA309193315.